The following is an entry in ClinVar:

ClinVar aggregate classification (germline): Likely benign (0 of 4 stars; one submission).

Conditions:
PHACTR1-related disorder. Also called: PHACTR1-related condition.

Allele frequency attached by ClinVar (database versions not stated): ExAC 0.00001; gnomAD exomes 0.00001; gnomAD 0.00002.
gnomAD v4.1: 18 of 1,613,884 alleles (0.0011%); highest among the groups gnomAD compares: East Asian, 0.0045%; no homozygotes.

Submission:

PreventionGenetics, part of Exact Sciences
Classification: Likely benign for PHACTR1-related condition. Last evaluated: 2022-05-23. Review status: no assertion criteria provided. Collection method: clinical testing. Allele origin: germline.
Comment: This variant is classified as likely benign based on ACMG/AMP sequence variant interpretation guidelines (Richards et al. 2015 PMID: 25741868, with internal and published modifications).

NM_030948.6(PHACTR1):c.1392-5C>T

Genes: PHACTR1 (phosphatase and actin regulator 1; plus strand), TBC1D7-LOC100130357 (TBC1D7-LOC100130357 readthrough; minus strand). Cytogenetic location: 6p24.1.
Variant type: single nucleotide variant.
Coding change: c.1392-5C>T on transcript NM_030948.6 (MANE Select); 5 bases into the intron before coding-DNA position 1392, C replaced by T.
Molecular consequence: intron variant.
Genome position (GRCh38, 1-based): chr6:13,272,855, C>T. VCF-style: chr6-13272855-C-T. GRCh37 (hg19) VCF-style: chr6-13273087-C-T.
Other names: c.1392-5C>T (NM_001242648.4, NM_001374581.2, NM_001322308.3 and 1 more transcripts); c.1599-5C>T (NM_001322310.2); c.1323-5C>T (NM_001322313.2); c.1116-5C>T (NM_001322312.3, NM_001322311.2, NM_001374583.2); c.1602-5C>T (NM_001322314.4); c.*40-5020G>A (NM_001318809.2).
Identifiers: ClinVar variation 3056707 (VCV003056707.2), dbSNP rs745969587, ClinGen allele CA3639358.